The following is an entry in ClinVar:

ClinVar aggregate classification (germline): Likely benign (1 of 4 stars; one submission).

gnomAD v4.1: 2 of 1,613,672 alleles (0.00012%); highest among the groups gnomAD compares: Non-Finnish European, 0.00017%; no homozygotes.

Submission:

CeGaT Center for Human Genetics Tuebingen
Classification: Likely benign. Last evaluated: 2022-07-01. Review status: criteria provided, single submitter. Criteria: CeGaT Center For Human Genetics Tuebingen Variant Classification Criteria Version 2. Collection method: clinical testing. Allele origin: germline. Affected: yes. Observed: 1 variant allele.
Comment: SYNE1: PM2:Supporting, BP4, BP7

NM_182961.4(SYNE1):c.3495T>G (p.Arg1165=)

Gene: SYNE1 (spectrin repeat containing nuclear envelope protein 1; minus strand). Cytogenetic location: 6q25.2.
Variant type: single nucleotide variant.
Coding change: c.3495T>G on transcript NM_182961.4 (MANE Select); coding-DNA position 3495, T replaced by G.
Protein change: p.Arg1165=; no amino-acid change (arginine 1165 retained).
Molecular consequence: synonymous variant.
Genome position (GRCh38, 1-based): chr6:152,449,542, A>C on the plus strand (T>G on the coding strand, the complement: SYNE1 is on the minus strand). VCF-style: chr6-152449542-A-C. GRCh37 (hg19) VCF-style: chr6-152770677-A-C.
Other names: c.3516T>G, p.Arg1172= (NM_033071.5).
Identifiers: ClinVar variation 1701513 (VCV001701513.31), dbSNP rs2154248829, ClinGen allele CA452765706.